The following is an entry in ClinVar:

NM_000138.5(FBN1):c.4517C>G (p.Pro1506Arg)

Gene: FBN1 (fibrillin 1; minus strand). Cytogenetic location: 15q21.1.
Variant type: single nucleotide variant.
Coding change: c.4517C>G on transcript NM_000138.5 (MANE Select); coding-DNA position 4517, C replaced by G.
Protein change: p.Pro1506Arg; replaces proline 1506 with arginine.
Molecular consequence: missense variant.
Genome position (GRCh38, 1-based): chr15:48,468,477, G>C on the plus strand (C>G on the coding strand, the complement: FBN1 is on the minus strand). VCF-style: chr15-48468477-G-C. GRCh37 (hg19) VCF-style: chr15-48760674-G-C.
Other names: c.4517C>G, p.Pro1506Arg (NM_001406716.1); short protein forms P1506R.
Identifiers: ClinVar variation 4530959 (VCV004530959.1).

ClinVar aggregate classification (germline): Uncertain significance (1 of 4 stars; one submission).

gnomAD v4.1: 3 of 1,614,040 alleles (0.00019%); highest among the groups gnomAD compares: Non-Finnish European, 0.00025%; no homozygotes.

Submission:

GeneDx
Classification: Uncertain significance. Last evaluated: 2025-05-18. Review status: criteria provided, single submitter. Criteria: GeneDx Variant Classification Process June 2021. Collection method: clinical testing. Allele origin: germline. Affected: yes.
Comment: Does not affect a cysteine or calcium-binding residue within an EGF-like domain or a TGF-binding protein domain of the FBN1 gene; cysteine substitutions in the EGF-like domains represent the majority of pathogenic missense changes associated with FBN1-related disorders (PMID: 12938084); Not observed at significant frequency in large population cohorts (gnomAD); In silico analysis supports that this missense variant has a deleterious effect on protein structure/function; Has not been previously published as pathogenic or benign to our knowledge; This variant is associated with the following publications: (PMID: 12938084)